The following is an entry in ClinVar:

ClinVar aggregate classification (germline): Uncertain significance. Review status: criteria provided, multiple submitters, no conflicts (2 of 4 stars). 2 submissions from 2 submitters: Uncertain significance (2). Last evaluated 2025-03-20.

Conditions:
Pancreatic adenocarcinoma. Identifiers: MedGen C0281361, MONDO:0006047, HP:0006725.

Allele frequency attached by ClinVar (database versions not stated): TOPMed below 0.00001; gnomAD 0.00001.

Submissions (2):

Ambry Genetics
Classification: Uncertain significance. Last evaluated: 2025-03-20. Review status: criteria provided, single submitter. Criteria: Ambry Variant Classification Scheme 2023. Collection method: clinical testing. Allele origin: germline.
Comment: The p.P72L variant (also known as c.215C>T), located in coding exon 1 of the PALLD gene, results from a C to T substitution at nucleotide position 215. The proline at codon 72 is replaced by leucine, an amino acid with similar properties. This amino acid position is conserved. In addition, this alteration is predicted to be tolerated by in silico analysis. Based on the available evidence, the clinical significance of this variant remains unclear.

Labcorp Genetics (formerly Invitae), Labcorp
Classification: Uncertain significance for Pancreatic adenocarcinoma. Last evaluated: 2022-08-15. Review status: criteria provided, single submitter. Criteria: Invitae Variant Classification Sherloc (09022015). Collection method: clinical testing. Allele origin: germline.
Comment: Algorithms developed to predict the effect of missense changes on protein structure and function (SIFT, PolyPhen-2, Align-GVGD) all suggest that this variant is likely to be tolerated. In summary, the available evidence is currently insufficient to determine the role of this variant in disease. Therefore, it has been classified as a Variant of Uncertain Significance. This variant is present in population databases (no rsID available, gnomAD 0.1%). This sequence change replaces proline, which is neutral and non-polar, with leucine, which is neutral and non-polar, at codon 72 of the PALLD protein (p.Pro72Leu). This variant has not been reported in the literature in individuals affected with PALLD-related conditions.

NM_001166108.2(PALLD):c.1965-12816C>T

Gene: PALLD (palladin, cytoskeletal associated protein; plus strand). Cytogenetic location: 4q32.3.
Variant type: single nucleotide variant.
Coding change: c.1965-12816C>T on transcript NM_001166108.2 (MANE Select); 12816 bases into the intron before coding-DNA position 1965, C replaced by T.
Molecular consequence: intron variant. On other transcripts: missense variant (1).
Genome position (GRCh38, 1-based): chr4:168,878,106, C>T. VCF-style: chr4-168878106-C-T. GRCh37 (hg19) VCF-style: chr4-169799257-C-T.
Other names: c.215C>T (NM_001166110.1); c.215C>T, p.Pro72Leu (NM_001166110.2); c.1965-12816C>T (NM_016081.4); c.819-12816C>T (NM_001166109.2); c.-157-12816C>T (NM_001367570.1, NM_001367568.1, NM_001367567.1 and 1 more transcripts); short protein forms P72L.
Identifiers: ClinVar variation 2060802 (VCV002060802.5), dbSNP rs960816675, ClinGen allele CA110515934.